The following is an entry in ClinVar:

NM_001082486.2(ACD):c.563T>C (p.Leu188Pro)

Gene: ACD (ACD shelterin complex subunit and telomerase recruitment factor; minus strand). Cytogenetic location: 16q22.1.
Variant type: single nucleotide variant.
Coding change: c.563T>C on transcript NM_001082486.2 (MANE Select); coding-DNA position 563, T replaced by C.
Protein change: p.Leu188Pro; replaces leucine 188 with proline.
Molecular consequence: missense variant.
Genome position (GRCh38, 1-based): chr16:67,659,010, A>G on the plus strand (T>C on the coding strand, the complement: ACD is on the minus strand). VCF-style: chr16-67659010-A-G. GRCh37 (hg19) VCF-style: chr16-67692913-A-G.
Other names: c.563T>C, p.Leu188Pro (NM_001410884.1); c.554T>C, p.Leu185Pro (NM_022914.3); short protein forms L185P, L188P.
Identifiers: ClinVar variation 3691734 (VCV003691734.2).

ClinVar aggregate classification (germline): Uncertain significance (1 of 4 stars; one submission).

Conditions:
Dyskeratosis congenita, autosomal dominant 6 (DKCA6). Identifiers: Orphanet 3322, MedGen C4225284, MONDO:0014690, OMIM 616553.

Submission:

Labcorp Genetics (formerly Invitae), Labcorp
Classification: Uncertain significance for Dyskeratosis congenita, autosomal dominant 6. Last evaluated: 2025-01-15. Review status: criteria provided, single submitter. Criteria: Invitae Variant Classification Sherloc (09022015). Collection method: clinical testing. Allele origin: germline.
Comment: This sequence change replaces leucine, which is neutral and non-polar, with proline, which is neutral and non-polar, at codon 274 of the ACD protein (p.Leu274Pro). This variant is not present in population databases (gnomAD no frequency). This variant has not been reported in the literature in individuals affected with ACD-related conditions. Invitae Evidence Modeling of protein sequence and biophysical properties (such as structural, functional, and spatial information, amino acid conservation, physicochemical variation, residue mobility, and thermodynamic stability) indicates that this missense variant is expected to disrupt ACD protein function with a positive predictive value of 80%. In summary, the available evidence is currently insufficient to determine the role of this variant in disease. Therefore, it has been classified as a Variant of Uncertain Significance.